The following is an entry in ClinVar:

NM_001277313.2(FMN1):c.1201G>A (p.Gly401Arg)

Gene: FMN1 (formin 1; minus strand). Cytogenetic location: 15q13.3.
Variant type: single nucleotide variant.
Coding change: c.1201G>A on transcript NM_001277313.2 (MANE Select); coding-DNA position 1201, G replaced by A.
Protein change: p.Gly401Arg; replaces glycine 401 with arginine.
Molecular consequence: missense variant.
Genome position (GRCh38, 1-based): chr15:33,153,714, C>T on the plus strand (G>A on the coding strand, the complement: FMN1 is on the minus strand). VCF-style: chr15-33153714-C-T. GRCh37 (hg19) VCF-style: chr15-33445915-C-T.
Other names: c.1201G>A, p.Gly401Arg (NM_001277314.2); short protein forms G401R.
Identifiers: ClinVar variation 2865116 (VCV002865116.3), dbSNP rs903991723, ClinGen allele CA391908797.
Genomic context (GRCh38, chr15:33,153,714, plus strand): 5'-GGACCTTGTTCACGGCCCCCTCGGCACTGGCCGACACACTAGAAATGGAGGCTGTTTCCC[C>T]GGCTGGCGACTGCGATGACCTATCCCCTTGCCGCTCCTTGCCCTGCCGCCTGGAGCCATG-3'
Protein context (NP_001264242.1, residues 391-411): QGDRSSQSPA[Gly401Arg]ETASISSVSA

ClinVar aggregate classification (germline): Uncertain significance (1 of 4 stars; one submission).

Allele frequency attached by ClinVar (database versions not stated): gnomAD 0.00001; gnomAD exomes 0.00001; TOPMed 0.00001.
gnomAD v4.1: 17 of 1,536,174 alleles (0.0011%); highest among the groups gnomAD compares: Middle Eastern, 0.017%; no homozygotes.

Submission:

Labcorp Genetics (formerly Invitae), Labcorp
Classification: Uncertain significance. Last evaluated: 2023-10-23. Review status: criteria provided, single submitter. Criteria: Invitae Variant Classification Sherloc (09022015). Collection method: clinical testing. Allele origin: germline.
Comment: The FMN1 gene has multiple clinically relevant transcripts. This variant occurs in alternate transcript NM_001277314.1, and corresponds to NM_001103184.3:c.-85830G>A in the primary transcript. This sequence change replaces glycine, which is neutral and non-polar, with arginine, which is basic and polar, at codon 401 of the FMN1 protein (p.Gly401Arg). This variant is present in population databases (no rsID available, gnomAD 0.002%). This variant has not been reported in the literature in individuals affected with FMN1-related conditions. Experimental studies and prediction algorithms are not available or were not evaluated, and the functional significance of this variant is currently unknown. In summary, the available evidence is currently insufficient to determine the role of this variant in disease. Therefore, it has been classified as a Variant of Uncertain Significance.